The following is an entry in ClinVar:

NM_152564.5(VPS13B):c.5913T>C (p.Pro1971=)

Gene: VPS13B (vacuolar protein sorting 13 homolog B; plus strand). Cytogenetic location: 8q22.2.
Variant type: single nucleotide variant.
Coding change: c.5913T>C on transcript NM_152564.5 (MANE Select); coding-DNA position 5913, T replaced by C.
Protein change: p.Pro1971=; no amino-acid change (proline 1971 retained).
Molecular consequence: synonymous variant.
Genome position (GRCh38, 1-based): chr8:99,661,358, T>C. VCF-style: chr8-99661358-T-C. GRCh37 (hg19) VCF-style: chr8-100673586-T-C.
Other names: c.5988T>C, p.Pro1996= (NM_017890.5).
Identifiers: ClinVar variation 1965056 (VCV001965056.6), dbSNP rs2491289730, ClinGen allele CA462440331.
Genomic context (GRCh38, chr8:99,661,358, plus strand): 5'-AAAATGAGATATTTGTGATGTAACTGATGTTTTTAATTTCAATTTTGTCACTTTAGATCC[T>C]GGGAAGACTCTGCCTGAAGCCCTTGATTATTGCACTGTTTGGCTACAGACAGTGCCTGGA-3'
Protein context (NP_689777.3, residues 1961-1981): GVASDYKCID[Pro1971=]GKTLPEALDY

ClinVar aggregate classification (germline): Likely benign. Review status: criteria provided, multiple submitters, no conflicts (2 of 4 stars). 2 submissions from 2 submitters: Likely benign (2). Last evaluated 2025-08-06.

Conditions:
VPS13B-related disorder. Also called: VPS13B-related condition.
Cohen syndrome (COH1). Also called: PEPPER SYNDROME; Cutis verticis gyrata, retinitis pigmentosa, and sensorineural deafness. Identifiers: Orphanet 193, MedGen C0265223, MONDO:0008999, OMIM 216550.

Allele frequency attached by ClinVar (database versions not stated): gnomAD exomes below 0.00001.
gnomAD v4.1: 2 of 1,613,626 alleles (0.00012%); highest among the groups gnomAD compares: Non-Finnish European, 0.00017%; no homozygotes.

Submissions (2):

Labcorp Genetics (formerly Invitae), Labcorp
Classification: Likely benign for Cohen syndrome. Last evaluated: 2025-08-06. Review status: criteria provided, single submitter. Criteria: Invitae Variant Classification Sherloc (09022015). Collection method: clinical testing. Allele origin: germline.

PreventionGenetics, part of Exact Sciences
Classification: Likely benign for VPS13B-related condition. Last evaluated: 2025-01-29. Review status: criteria provided, single submitter. Criteria: ACMG Guidelines, 2015. Collection method: clinical testing. Allele origin: germline.
Comment: This variant is classified as likely benign based on ACMG/AMP sequence variant interpretation guidelines (Richards et al. 2015 PMID: 25741868, with internal and published modifications).